The following is an entry in ClinVar:

NM_017534.6(MYH2):c.3404G>A (p.Arg1135Gln)

Genes: MYH2 (myosin heavy chain 2; minus strand), MYHAS (myosin heavy chain gene cluster antisense RNA; plus strand). Cytogenetic location: 17p13.1.
Variant type: single nucleotide variant.
Coding change: c.3404G>A on transcript NM_017534.6 (MANE Select); coding-DNA position 3404, G replaced by A.
Protein change: p.Arg1135Gln; replaces arginine 1135 with glutamine.
Molecular consequence: missense variant.
Genome position (GRCh38, 1-based): chr17:10,529,030, C>T on the plus strand (G>A on the coding strand, the complement: MYH2 is on the minus strand). VCF-style: chr17-10529030-C-T. GRCh37 (hg19) VCF-style: chr17-10432347-C-T.
Other names: c.3404G>A, p.Arg1135Gln (NM_001100112.2); short protein forms R1135Q.
Identifiers: ClinVar variation 1928092 (VCV001928092.10), dbSNP rs151164070, ClinGen allele CA8390903.

ClinVar aggregate classification (germline): Uncertain significance. Review status: criteria provided, multiple submitters, no conflicts (2 of 4 stars). 4 submissions from 4 submitters: Uncertain significance (4). Last evaluated 2025-04-26.

Conditions:
Myopathy, proximal, and ophthalmoplegia (CMYO6). Also called: INCLUSION BODY MYOPATHY 3, AUTOSOMAL DOMINANT; MYOPATHY WITH CONGENITAL JOINT CONTRACTURES, OPHTHALMOPLEGIA, AND RIMMED VACUOLES; CONGENITAL MYOPATHY 6 WITH OPHTHALMOPLEGIA. Identifiers: Orphanet 363677, Orphanet 79091, MedGen C1854106, MONDO:0011577, OMIM 605637.
Inborn genetic diseases. Identifiers: MedGen C0950123, MeSH D030342.

Allele frequency attached by ClinVar (database versions not stated): gnomAD exomes 0.00001; TOPMed 0.00002; ExAC 0.00003; gnomAD 0.00005; ESP Exome Variant Server 0.00008; 1000 Genomes Project 30x 0.00016; 1000 Genomes Project 0.00020.
gnomAD v4.1: 29 of 1,614,190 alleles (0.0018%); highest among the groups gnomAD compares: East Asian, 0.0045%; no homozygotes.

Submissions (4):

Labcorp Genetics (formerly Invitae), Labcorp
Classification: Uncertain significance for Myopathy, proximal, and ophthalmoplegia. Last evaluated: 2025-04-26. Review status: criteria provided, single submitter. Criteria: Invitae Variant Classification Sherloc (09022015). Collection method: clinical testing. Allele origin: germline.
Comment: This sequence change replaces arginine, which is basic and polar, with glutamine, which is neutral and polar, at codon 1135 of the MYH2 protein (p.Arg1135Gln). This variant is present in population databases (rs151164070, gnomAD 0.006%). This variant has not been reported in the literature in individuals affected with MYH2-related conditions. ClinVar contains an entry for this variant (Variation ID: 1928092). Invitae Evidence Modeling of protein sequence and biophysical properties (such as structural, functional, and spatial information, amino acid conservation, physicochemical variation, residue mobility, and thermodynamic stability) indicates that this missense variant is expected to disrupt MYH2 protein function with a positive predictive value of 80%. In summary, the available evidence is currently insufficient to determine the role of this variant in disease. Therefore, it has been classified as a Variant of Uncertain Significance.

Ambry Genetics
Classification: Uncertain significance for Inborn genetic diseases. Last evaluated: 2022-12-16. Review status: criteria provided, single submitter. Criteria: Ambry Variant Classification Scheme 2023. Collection method: clinical testing. Allele origin: germline.

Blueprint Genetics
Classification: Uncertain significance. Last evaluated: 2022-11-16. Review status: criteria provided, single submitter. Criteria: ACMG Guidelines, 2015. Collection method: clinical testing. Allele origin: germline.

Revvity Omics, Revvity
Classification: Uncertain significance for Myopathy, proximal, and ophthalmoplegia. Last evaluated: 2019-07-12. Review status: criteria provided, single submitter. Criteria: ACMG Guidelines, 2015. Collection method: clinical testing. Allele origin: germline.